The following is an entry in ClinVar:

ClinVar aggregate classification (germline): Conflicting classifications of pathogenicity. Review status: criteria provided, conflicting classifications (1 of 4 stars). 4 submissions from 4 submitters: Uncertain significance (3); Likely benign (1). Last evaluated 2026-01-12.

Conditions:
COL9A1-related disorder. Also called: COL9A1-related condition; COL9A1-related disorders.

Allele frequency attached by ClinVar (database versions not stated): gnomAD exomes 0.00006; ExAC 0.00007; ESP Exome Variant Server 0.00008; TOPMed 0.00008; gnomAD 0.00011.
gnomAD v4.1: 163 of 1,613,956 alleles (0.01%); highest among the groups gnomAD compares: Non-Finnish European, 0.012%; no homozygotes.

Submissions (5):

PreventionGenetics, part of Exact Sciences
Classification: Uncertain significance for COL9A1-related condition. Last evaluated: 2026-01-12. Review status: criteria provided, single submitter. Criteria: ACMG Guidelines, 2015. Collection method: clinical testing. Allele origin: germline.
Comment: The COL9A1 c.1665+5G>T variant is predicted to interfere with splicing. This variant is predicted to impact splicing based on available splicing prediction programs (SpliceAI, Jaganathan et al. 2019. PubMed ID: 30661751). To our knowledge, this variant has not been reported in the literature. This variant is reported in 0.012% of alleles in individuals of European (Non-Finnish) descent in gnomAD. This variant is interpreted as not determined.

Blueprint Genetics
Classification: Uncertain significance. Last evaluated: 2024-10-09. Review status: criteria provided, single submitter. Criteria: ACMG Guidelines, 2015. Collection method: clinical testing. Allele origin: germline.

Labcorp Genetics (formerly Invitae), Labcorp
Classification: Uncertain significance. Last evaluated: 2022-07-06. Review status: criteria provided, single submitter. Criteria: Invitae Variant Classification Sherloc (09022015). Collection method: clinical testing. Allele origin: germline.
Comment: This sequence change falls in intron 24 of the COL9A1 gene. It does not directly change the encoded amino acid sequence of the COL9A1 protein. It affects a nucleotide within the consensus splice site. This variant is present in population databases (rs369698214, gnomAD 0.01%). This variant has not been reported in the literature in individuals affected with COL9A1-related conditions. ClinVar contains an entry for this variant (Variation ID: 513010). Variants that disrupt the consensus splice site are a relatively common cause of aberrant splicing (PMID: 17576681, 9536098). Algorithms developed to predict the effect of sequence changes on RNA splicing suggest that this variant is not likely to affect RNA splicing. In summary, the available evidence is currently insufficient to determine the role of this variant in disease. Therefore, it has been classified as a Variant of Uncertain Significance.

GeneDx
Classification: Likely benign. Last evaluated: 2021-04-13. Review status: criteria provided, single submitter. Criteria: GeneDx Variant Classification Process June 2021. Collection method: clinical testing. Allele origin: germline. Affected: yes.

Dr. Peter K. Rogan Lab, Western University
No classification provided (evidence only). Condition: Familial cancer of breast. Review status: no classification provided. Collection method: in vitro. Allele origin: not applicable. Functional consequence: skipped exon. Not counted in ClinVar's aggregate classification.

Literature cited by the submitters: PubMed 17576681 (cited by Labcorp Genetics (formerly Invitae), Labcorp); PubMed 9536098 (cited by Labcorp Genetics (formerly Invitae), Labcorp).

NM_001851.6(COL9A1):c.1665+5G>T

Gene: COL9A1 (collagen type IX alpha 1 chain; minus strand). Cytogenetic location: 6q13.
Variant type: single nucleotide variant.
Coding change: c.1665+5G>T on transcript NM_001851.6 (MANE Select); 5 bases into the intron after coding-DNA position 1665, G replaced by T.
Molecular consequence: intron variant.
Genome position (GRCh38, 1-based): chr6:70,254,958, C>A on the plus strand (G>T on the coding strand, the complement: COL9A1 is on the minus strand). VCF-style: chr6-70254958-C-A. GRCh37 (hg19) VCF-style: chr6-70964661-C-A.
Other names: c.936+5G>T (NM_001377290.1, NM_078485.4, NM_001377289.1).
Identifiers: ClinVar variation 513010 (VCV000513010.12), dbSNP rs369698214, ClinGen allele CA3882089.